The following is an entry in ClinVar:

ClinVar aggregate classification (germline): Uncertain significance (1 of 4 stars; one submission).

gnomAD v4.1: 1 of 1,614,076 alleles (0.000062%); highest among the groups gnomAD compares: Non-Finnish European, 0.000085%; no homozygotes.

Submission:

Ambry Genetics
Classification: Uncertain significance. Last evaluated: 2024-08-21. Review status: criteria provided, single submitter. Criteria: Ambry Variant Classification Scheme 2023. Collection method: clinical testing. Allele origin: germline.
Comment: The p.P41S variant (also known as c.121C>T), located in coding exon 1 of the EGLN2 gene, results from a C to T substitution at nucleotide position 121. The proline at codon 41 is replaced by serine, an amino acid with similar properties. This amino acid position is conserved. In addition, this alteration is predicted to be tolerated by in silico analysis. Based on the available evidence, the clinical significance of this variant remains unclear.

NM_080732.4(EGLN2):c.121C>T (p.Pro41Ser)

Genes: EGLN2 (egl-9 family hypoxia inducible factor 2; plus strand), RAB4B-EGLN2 (RAB4B-EGLN2 readthrough (NMD candidate); plus strand). Cytogenetic location: 19q13.2.
Variant type: single nucleotide variant.
Coding change: c.121C>T on transcript NM_080732.4 (MANE Select); coding-DNA position 121, C replaced by T.
Protein change: p.Pro41Ser; replaces proline 41 with serine.
Molecular consequence: missense variant. On other transcripts: non-coding transcript variant (1).
Genome position (GRCh38, 1-based): chr19:40,800,693, C>T. VCF-style: chr19-40800693-C-T. GRCh37 (hg19) VCF-style: chr19-41306598-C-T.
Other names: c.121C>T, p.Pro41Ser (NM_053046.4); short protein forms P41S.
Identifiers: ClinVar variation 3507276 (VCV003507276.1).